The following is an entry in ClinVar:

ClinVar aggregate classification (germline): Uncertain significance (1 of 4 stars; one submission).

Submission:

GeneDx
Classification: Uncertain significance. Last evaluated: 2023-12-13. Review status: criteria provided, single submitter. Criteria: GeneDx Variant Classification Process June 2021. Collection method: clinical testing. Allele origin: germline. Affected: yes.
Comment: Not observed at significant frequency in large population cohorts (gnomAD); In silico analysis supports that this missense variant does not alter protein structure/function; Has not been previously published as pathogenic or benign to our knowledge; Variants in candidate genes are classified as variants of uncertain significance in accordance with ACMG guidelines (PMID: 25741868)

NM_014974.3(DIP2C):c.3050T>C (p.Met1017Thr)

Gene: DIP2C (disco interacting protein 2 homolog C; minus strand). Cytogenetic location: 10p15.3.
Variant type: single nucleotide variant.
Coding change: c.3050T>C on transcript NM_014974.3 (MANE Select); coding-DNA position 3050, T replaced by C.
Protein change: p.Met1017Thr; replaces methionine 1017 with threonine.
Molecular consequence: missense variant.
Genome position (GRCh38, 1-based): chr10:349,390, A>G on the plus strand (T>C on the coding strand, the complement: DIP2C is on the minus strand). VCF-style: chr10-349390-A-G. GRCh37 (hg19) VCF-style: chr10-395330-A-G.
Other names: short protein forms M1017T.
Identifiers: ClinVar variation 3365621 (VCV003365621.1).
Genomic context (GRCh38, chr10:349,390, plus strand): 5'-CCTGGGGGGTAGACCAAGGCCACGTGGTCGCCGTCCTGAAGGTGGCCCCTCTCCATCAGC[A>G]TCACGGCGATCTTCTCAGCTCTCTTGTGCAGCTGCACGCAGGTCAGCGAGTTCGCTATCG-3'
Protein context (NP_055789.1, residues 1007-1027): LHKRAEKIAV[Met1017Thr]LMERGHLQDG